The following is an entry in ClinVar:

ClinVar aggregate classification (germline): Uncertain significance. Review status: criteria provided, multiple submitters, no conflicts (2 of 4 stars). 2 submissions from 2 submitters: Uncertain significance (2). Last evaluated 2021-06-01.

Conditions:
Hereditary nonpolyposis colorectal neoplasms. Identifiers: MedGen C0009405, MeSH D003123.
Hereditary cancer-predisposing syndrome. Also called: Neoplastic Syndromes, Hereditary; Tumor predisposition; Hereditary Cancer Syndrome; Hereditary neoplastic syndrome. Identifiers: Orphanet 140162, MedGen C0027672, MeSH D009386, MONDO:0015356.

Allele frequency attached by ClinVar (database versions not stated): gnomAD exomes below 0.00001; ExAC 0.00001.
gnomAD v4.1: 1 of 1,614,052 alleles (0.000062%); highest among the groups gnomAD compares: Admixed American, 0.0017%; no homozygotes.

Submissions (2):

Ambry Genetics
Classification: Uncertain significance for Hereditary cancer-predisposing syndrome. Last evaluated: 2021-06-01. Review status: criteria provided, single submitter. Criteria: Ambry Variant Classification Scheme 2023. Collection method: clinical testing. Allele origin: germline.
Comment: The p.T1282P variant (also known as c.3844A>C), located in coding exon 9 of the MSH6 gene, results from an A to C substitution at nucleotide position 3844. The threonine at codon 1282 is replaced by proline, an amino acid with highly similar properties. This amino acid position is highly conserved in available vertebrate species. In addition, this alteration is predicted to be deleterious by in silico analysis. Since supporting evidence is limited at this time, the clinical significance of this alteration remains unclear.

Labcorp Genetics (formerly Invitae), Labcorp
Classification: Uncertain significance for Hereditary nonpolyposis colorectal neoplasms. Last evaluated: 2019-03-05. Review status: criteria provided, single submitter. Criteria: Invitae Variant Classification Sherloc (09022015). Collection method: clinical testing. Allele origin: germline.
Comment: Algorithms developed to predict the effect of missense changes on protein structure and function (SIFT, PolyPhen-2, Align-GVGD) all suggest that this variant is likely to be disruptive, but these predictions have not been confirmed by published functional studies and their clinical significance is uncertain. In summary, the available evidence is currently insufficient to determine the role of this variant in disease. Therefore, it has been classified as a Variant of Uncertain Significance. This variant has not been reported in the literature in individuals with MSH6-related conditions. ClinVar contains an entry for this variant (Variation ID: 188116). This variant is present in population databases (rs764507968, ExAC 0.009%). This sequence change replaces threonine with proline at codon 1282 of the MSH6 protein (p.Thr1282Pro). The threonine residue is highly conserved and there is a small physicochemical difference between threonine and proline.

NM_000179.3(MSH6):c.3844A>C (p.Thr1282Pro)

Gene: MSH6 (mutS homolog 6; plus strand). Cytogenetic location: 2p16.3.
Variant type: single nucleotide variant.
Coding change: c.3844A>C on transcript NM_000179.3 (MANE Select); coding-DNA position 3844, A replaced by C.
Protein change: p.Thr1282Pro; replaces threonine 1282 with proline.
Molecular consequence: missense variant.
Genome position (GRCh38, 1-based): chr2:47,806,494, A>C. VCF-style: chr2-47806494-A-C. GRCh37 (hg19) VCF-style: chr2-48033633-A-C.
Other names: c.3454A>C, p.Thr1152Pro (NM_001281492.2); c.2938A>C, p.Thr980Pro (NM_001281493.2, NM_001281494.2); short protein forms T1282P, T1152P, T980P.
Identifiers: ClinVar variation 188116 (VCV000188116.13), dbSNP rs764507968, ClinGen allele CA014538.